The following is an entry in ClinVar:

ClinVar aggregate classification (germline): Uncertain significance (1 of 4 stars; one submission).

Submission:

Women's Health and Genetics/Laboratory Corporation of America, LabCorp
Classification: Uncertain significance. Last evaluated: 2022-12-06. Review status: criteria provided, single submitter. Criteria: LabCorp Variant Classification Summary - May 2015. Collection method: clinical testing. Allele origin: germline.
Comment: Variant summary: TAB2 c.1174A>G (p.Asn392Asp) results in a conservative amino acid change in the encoded protein sequence. Two of four in-silico tools predict a benign effect of the variant on protein function. The variant was absent in 251422 control chromosomes (gnomAD). The available data on variant occurrences in the general population are insufficient to allow any conclusion about variant significance. To our knowledge, no occurrence of c.1174A>G in individuals affected with Congenital Heart Defects, Multiple Types, 2 and no experimental evidence demonstrating its impact on protein function have been reported. No clinical diagnostic laboratories have submitted clinical-significance assessments for this variant to ClinVar after 2014. Based on the evidence outlined above, the variant was classified as uncertain significance.

NM_001292034.3(TAB2):c.1174A>G (p.Asn392Asp)

Genes: TAB2 (TGF-beta activated kinase 1 (MAP3K7) binding protein 2; plus strand), LOC126859827 (BRD4-independent group 4 enhancer GRCh37_chr6:149699707-149700906; plus strand). Cytogenetic location: 6q25.1.
Variant type: single nucleotide variant.
Coding change: c.1174A>G on transcript NM_001292034.3 (MANE Select); coding-DNA position 1174, A replaced by G.
Protein change: p.Asn392Asp; replaces asparagine 392 with aspartic acid.
Molecular consequence: missense variant.
Genome position (GRCh38, 1-based): chr6:149,379,089, A>G. VCF-style: chr6-149379089-A-G. GRCh37 (hg19) VCF-style: chr6-149700225-A-G.
Other names: c.1078A>G, p.Asn360Asp (NM_001292035.3); c.1174A>G, p.Asn392Asp (NM_001369506.1, NM_015093.6); short protein forms N360D, N392D.
Identifiers: ClinVar variation 1878225 (VCV001878225.1), dbSNP rs1781515455, ClinGen allele CA365998114.